The following is an entry in ClinVar:

ClinVar aggregate classification (germline): Likely benign. Review status: criteria provided, multiple submitters, no conflicts (2 of 4 stars). 4 submissions from 4 submitters: Likely benign (4). Last evaluated 2026-08-19.

Conditions:
TTN-related disorder. Also called: TTN-related condition; TTN-related disease; TTN-related disorders.
Cardiovascular phenotype. Identifiers: MedGen CN230736.
Autosomal recessive limb-girdle muscular dystrophy type 2J (LGMDR10). Also called: Limb-girdle muscular dystrophy, type 2J; MUSCULAR DYSTROPHY, LIMB-GIRDLE, AUTOSOMAL RECESSIVE 10. Identifiers: Orphanet 140922, MedGen C1837342, MONDO:0012127, OMIM 608807.
Dilated cardiomyopathy 1G (CMD1G). Identifiers: Orphanet 154, MedGen C1858763, MONDO:0011400, OMIM 604145.

Allele frequency attached by ClinVar (database versions not stated): ExAC 0.00002; gnomAD 0.00002; gnomAD exomes 0.00002; TOPMed 0.00002.
gnomAD v4.1: 40 of 1,612,858 alleles (0.0025%); highest among the groups gnomAD compares: Non-Finnish European, 0.0031%; no homozygotes.

Submissions (4):

PreventionGenetics, part of Exact Sciences
Classification: Likely benign for TTN-related condition. Last evaluated: 2026-08-19. Review status: criteria provided, single submitter. Criteria: ACMG Guidelines, 2015. Collection method: clinical testing. Allele origin: germline.
Comment: This variant is classified as likely benign based on ACMG/AMP sequence variant interpretation guidelines (Richards et al. 2015 PMID: 25741868, with internal and published modifications).

Labcorp Genetics (formerly Invitae), Labcorp
Classification: Likely benign for Dilated cardiomyopathy 1G; Autosomal recessive limb-girdle muscular dystrophy type 2J. Last evaluated: 2026-01-19. Review status: criteria provided, single submitter. Criteria: Invitae Variant Classification Sherloc (09022015). Collection method: clinical testing. Allele origin: germline.

Women's Health and Genetics/Laboratory Corporation of America, LabCorp
Classification: Likely benign. Last evaluated: 2025-04-29. Review status: criteria provided, single submitter. Criteria: LabCorp Variant Classification Summary - May 2015. Collection method: clinical testing. Allele origin: germline.

Ambry Genetics
Classification: Likely benign for Cardiovascular phenotype. Last evaluated: 2022-02-21. Review status: criteria provided, single submitter. Criteria: Ambry Variant Classification Scheme 2023. Collection method: clinical testing. Allele origin: germline.

NM_001267550.2(TTN):c.69120A>G (p.Val23040=)

Genes: TTN (titin; minus strand), TTN-AS1 (TTN antisense RNA 1; plus strand). Cytogenetic location: 2q31.2.
Variant type: single nucleotide variant.
Coding change: c.69120A>G on transcript NM_001267550.2 (MANE Select); coding-DNA position 69120, A replaced by G.
Protein change: p.Val23040=; no amino-acid change (valine 23040 retained).
Molecular consequence: synonymous variant.
Genome position (GRCh38, 1-based): chr2:178,577,215, T>C on the plus strand (A>G on the coding strand, the complement: TTN is on the minus strand). VCF-style: chr2-178577215-T-C. GRCh37 (hg19) VCF-style: chr2-179441942-T-C.
Other names: c.64197A>G, p.Val21399= (NM_001256850.1); c.41925A>G, p.Val13975= (NM_003319.4); c.61416A>G, p.Val20472= (NM_133378.4); c.42300A>G, p.Val14100= (NM_133432.3); c.42501A>G, p.Val14167= (NM_133437.4).
Identifiers: ClinVar variation 1101377 (VCV001101377.14), dbSNP rs754349287, ClinGen allele CA1990983.
Genomic context (GRCh38, chr2:178,577,215, plus strand): 5'-TGTAAGTGTTGCTTTTTCAGCAGAAACATTACTGATTTCAACAGGACCTGGGGGACCAGG[T>C]ACATCAAGGACTGTTACCTTCACATGTTCCACCTTCGTGCCAAAAGGATTGGTAGCAGTG-3'
Protein context (NP_001254479.2, residues 23030-23050): VEHVKVTVLD[Val23040=]PGPPGPVEIS